The following is an entry in ClinVar:

ClinVar aggregate classification (germline): Pathogenic/Likely pathogenic. Review status: criteria provided, multiple submitters, no conflicts (2 of 4 stars). 2 submissions from 2 submitters: Pathogenic (1); Likely pathogenic (1). Last evaluated 2024-04-29.

Conditions:
Alkaptonuria (AKU). Also called: Homogentisic acidura; Alkaptonuric ochronosis; HOMOGENTISIC ACID OXIDASE DEFICIENCY; Alcaptonuria. Identifiers: Orphanet 56, MedGen C0002066, MONDO:0008753, OMIM 203500.

gnomAD v4.1: 1 of 1,610,328 alleles (0.000062%); highest among the groups gnomAD compares: South Asian, 0.0011%; no homozygotes.

Submissions (2):

Fulgent Genetics
Classification: Likely pathogenic for Alkaptonuria. Last evaluated: 2024-04-29. Review status: criteria provided, single submitter. Criteria: ACMG Guidelines, 2015. Collection method: clinical testing. Allele origin: germline.

Labcorp Genetics (formerly Invitae), Labcorp
Classification: Pathogenic for Alkaptonuria. Last evaluated: 2023-05-14. Review status: criteria provided, single submitter. Criteria: Invitae Variant Classification Sherloc (09022015). Collection method: clinical testing. Allele origin: germline.
Comment: For these reasons, this variant has been classified as Pathogenic. This variant has not been reported in the literature in individuals affected with HGD-related conditions. This sequence change creates a premature translational stop signal (p.Cys35*) in the HGD gene. It is expected to result in an absent or disrupted protein product. Loss-of-function variants in HGD are known to be pathogenic (PMID: 12501223, 19862842). This variant is not present in population databases (gnomAD no frequency).

Literature cited by the submitters: PubMed 12501223 (cited by Labcorp Genetics (formerly Invitae), Labcorp); PubMed 19862842 (cited by Labcorp Genetics (formerly Invitae), Labcorp).

NM_000187.4(HGD):c.105C>A (p.Cys35Ter)

Gene: HGD (homogentisate 1,2-dioxygenase; minus strand). Cytogenetic location: 3q13.33.
Variant type: single nucleotide variant.
Coding change: c.105C>A on transcript NM_000187.4 (MANE Select); coding-DNA position 105, C replaced by A.
Protein change: p.Cys35Ter; replaces cysteine 35 with a stop codon.
Molecular consequence: nonsense.
Genome position (GRCh38, 1-based): chr3:120,674,972, G>T on the plus strand (C>A on the coding strand, the complement: HGD is on the minus strand). VCF-style: chr3-120674972-G-T. GRCh37 (hg19) VCF-style: chr3-120393819-G-T.
Other names: short protein forms C35*.
Identifiers: ClinVar variation 2904401 (VCV002904401.4), dbSNP rs2472801382, ClinGen allele CA354082215.